The following is an entry in ClinVar:

ClinVar aggregate classification (germline): Likely pathogenic (1 of 4 stars; one submission).

Conditions:
Autosomal recessive polycystic kidney disease (ARPKD). Also called: AR polycystic kidney disease. Identifiers: Orphanet 731, Orphanet 8378, MedGen C0085548, MeSH D017044, MONDO:0009889.

Submission:

Natera, Inc.
Classification: Likely pathogenic for Autosomal recessive polycystic kidney disease. Last evaluated: 2024-11-21. Review status: criteria provided, single submitter. Criteria: Natera Variant Classification Schema (03/2026). Collection method: clinical testing. Allele origin: germline.
Comment: The c.9431_9436delinsA variant in PKHD1 is a frameshift variant predicted to shift the reading frame beginning at codon 3144 and leads to a stop codon 9 codons downstream. This variant is expected to result in nonsense mediated decay, truncation, or a dysfunctional protein product. This variant is rare in the general population with a frequency below the threshold expected for the associated phenotype(s). Given the available evidence, this variant is classified as Likely Pathogenic.

NM_138694.4(PKHD1):c.9431_9436delinsA (p.Ile3144fs)

Gene: PKHD1 (PKHD1 ciliary IPT domain containing fibrocystin/polyductin; minus strand). Cytogenetic location: 6p12.3.
Variant type: Indel.
Coding change: c.9431_9436delinsA on transcript NM_138694.4 (MANE Select); coding-DNA positions 9431 to 9436, TCTCTG replaced by A.
Protein change: p.Ile3144fs; shifts the reading frame from isoleucine 3144.
Molecular consequence: frameshift variant.
Genome position (GRCh38, 1-based): chr6:51,748,180-51,748,185, CAGAGA replaced by T on the plus strand (TCTCTG replaced by A on the coding strand, the reverse complement: PKHD1 is on the minus strand). VCF-style: chr6-51748180-CAGAGA-T. GRCh37 (hg19) VCF-style: chr6-51612978-CAGAGA-T.
Other names: c.9431_9436delinsA, p.Ile3144fs (NM_170724.3); short protein forms I3144fs.
Identifiers: ClinVar variation 4816798 (VCV004816798.1).